The following is an entry in ClinVar:

NM_000051.4(ATM):c.322G>C (p.Ala108Pro)

Gene: ATM (ATM serine/threonine kinase; plus strand). Cytogenetic location: 11q22.3.
Variant type: single nucleotide variant.
Coding change: c.322G>C on transcript NM_000051.4 (MANE Select); coding-DNA position 322, G replaced by C.
Protein change: p.Ala108Pro; replaces alanine 108 with proline.
Molecular consequence: missense variant.
Genome position (GRCh38, 1-based): chr11:108,229,314, G>C. VCF-style: chr11-108229314-G-C. GRCh37 (hg19) VCF-style: chr11-108100041-G-C.
Other names: c.322G>C, p.Ala108Pro (NM_001351834.2, NM_001351835.2, NM_001351836.2); short protein forms A108P.
Identifiers: ClinVar variation 3634292 (VCV003634292.2).

ClinVar aggregate classification (germline): Uncertain significance (1 of 4 stars; one submission).

Conditions:
Ataxia-telangiectasia syndrome (AT). Also called: ATAXIA-TELANGIECTASIA, COMPLEMENTATION GROUP A; ATAXIA-TELANGIECTASIA, FRESNO VARIANT; LOUIS-BAR SYNDROME; Cerebello-oculocutaneous telangiectasia; Immunodeficiency with ataxia telangiectasia; Ataxia-telangiectasia, complementation group E. Identifiers: Orphanet 100, MedGen C0004135, MONDO:0008840, OMIM 208900.

Submission:

Labcorp Genetics (formerly Invitae), Labcorp
Classification: Uncertain significance for Ataxia-telangiectasia syndrome. Last evaluated: 2024-09-06. Review status: criteria provided, single submitter. Criteria: Invitae Variant Classification Sherloc (09022015). Collection method: clinical testing. Allele origin: germline.
Comment: This sequence change replaces alanine, which is neutral and non-polar, with proline, which is neutral and non-polar, at codon 108 of the ATM protein (p.Ala108Pro). This variant is not present in population databases (gnomAD no frequency). This variant has not been reported in the literature in individuals affected with ATM-related conditions. Invitae Evidence Modeling of protein sequence and biophysical properties (such as structural, functional, and spatial information, amino acid conservation, physicochemical variation, residue mobility, and thermodynamic stability) indicates that this missense variant is not expected to disrupt ATM protein function with a negative predictive value of 95%. In summary, the available evidence is currently insufficient to determine the role of this variant in disease. Therefore, it has been classified as a Variant of Uncertain Significance.